The following is an entry in ClinVar:

NM_005862.3(STAG1):c.3241C>T (p.Arg1081Ter)

Gene: STAG1 (STAG1 cohesin complex component; minus strand). Cytogenetic location: 3q22.3.
Variant type: single nucleotide variant.
Coding change: c.3241C>T on transcript NM_005862.3 (MANE Select); coding-DNA position 3241, C replaced by T.
Protein change: p.Arg1081Ter; replaces arginine 1081 with a stop codon.
Molecular consequence: nonsense.
Genome position (GRCh38, 1-based): chr3:136,349,188, G>A on the plus strand (C>T on the coding strand, the complement: STAG1 is on the minus strand). VCF-style: chr3-136349188-G-A. GRCh37 (hg19) VCF-style: chr3-136068030-G-A.
Other names: short protein forms R1081*.
Identifiers: ClinVar variation 2690892 (VCV002690892.1), dbSNP rs1267304310, ClinGen allele CA354642065.

ClinVar aggregate classification (germline): Likely pathogenic (1 of 4 stars; one submission).

Conditions:
Intellectual developmental disorder, autosomal dominant 47. Also called: MENTAL RETARDATION, AUTOSOMAL DOMINANT 47; Intellectual disability, autosomal dominant 47. Identifiers: Orphanet 502434, MedGen C4539951, MONDO:0030912, OMIM 617635.

Submission:

Johns Hopkins Genomics, Johns Hopkins University
Classification: Likely pathogenic for Intellectual developmental disorder, autosomal dominant 47. Last evaluated: 2023-12-28. Review status: criteria provided, single submitter. Criteria: ACMG Guidelines, 2015. Collection method: clinical testing. Allele origin: germline.
Comment: This STAG1 variant is absent from a large population dataset and has not been reported in ClinVar nor the literature, to our knowledge. This nonsense variant results in a premature stop codon in exon 29 of 34 likely leading to nonsense-mediated decay and lack of protein production. Bioinformatic analysis predicts that this variant would not affect normal exon 29 splicing, although this has not been confirmed experimentally to our knowledge. We consider this variant to be likely pathogenic for autosomal dominant intellectual developmental disorder-47.

Literature cited by the submitters: PubMed 28119487; PubMed 30158690; PubMed 34440290.